The following is an entry in ClinVar:

ClinVar aggregate classification (germline): Uncertain significance (1 of 4 stars; one submission).

Conditions:
Inborn genetic diseases. Identifiers: MedGen C0950123, MeSH D030342.

Allele frequency attached by ClinVar (database versions not stated): ExAC 0.00001; gnomAD 0.00003; TOPMed 0.00003.
gnomAD v4.1: 19 of 1,564,572 alleles (0.0012%); highest among the groups gnomAD compares: Middle Eastern, 0.018%; no homozygotes.

Submission:

Ambry Genetics
Classification: Uncertain significance for Inborn genetic diseases. Last evaluated: 2022-06-21. Review status: criteria provided, single submitter. Criteria: Ambry Variant Classification Scheme 2023. Collection method: clinical testing. Allele origin: germline.
Comment: The c.13894+6G>A intronic alteration consists of a G to A substitution nucleotides after coding exon 52 in the KMT2C gene. Based on insufficient or conflicting evidence, the clinical significance of this alteration remains unclear.

NM_170606.3(KMT2C):c.13894+6G>A

Gene: KMT2C (lysine methyltransferase 2C; minus strand). Cytogenetic location: 7q36.1.
Variant type: single nucleotide variant.
Coding change: c.13894+6G>A on transcript NM_170606.3 (MANE Select); 6 bases into the intron after coding-DNA position 13894, G replaced by A.
Molecular consequence: intron variant.
Genome position (GRCh38, 1-based): chr7:152,148,027, C>T on the plus strand (G>A on the coding strand, the complement: KMT2C is on the minus strand). VCF-style: chr7-152148027-C-T. GRCh37 (hg19) VCF-style: chr7-151845112-C-T.
Identifiers: ClinVar variation 2289612 (VCV002289612.2), dbSNP rs768878330, ClinGen allele CA4578576.